The following is an entry in ClinVar:

ClinVar aggregate classification (germline): Likely benign (1 of 4 stars; one submission).

gnomAD v4.1: 264 of 1,200,100 alleles (0.022%); highest among the groups gnomAD compares: Admixed American, 0.21%; no homozygotes.

Submission:

Molecular Diagnostic Laboratory for Inherited Cardiovascular Disease, Montreal Heart Institute
Classification: Likely benign. Last evaluated: 2025-04-09. Review status: criteria provided, single submitter. Criteria: ACMG Guidelines, 2015. Collection method: clinical testing. Allele origin: germline. Affected: no.
Comment: BS1

NM_000117.3(EMD):c.266-96A>G

Gene: EMD (emerin; plus strand). Cytogenetic location: Xq28.
Variant type: single nucleotide variant.
Coding change: c.266-96A>G on transcript NM_000117.3 (MANE Select); 96 bases into the intron before coding-DNA position 266, A replaced by G.
Molecular consequence: intron variant.
Genome position (GRCh38, 1-based): chrX:154,380,138, A>G. VCF-style: chrX-154380138-A-G. GRCh37 (hg19) VCF-style: chrX-153608498-A-G.
Identifiers: ClinVar variation 3895443 (VCV003895443.1), dbSNP rs1051858234.